The following is an entry in ClinVar:

NM_004239.4(TRIP11):c.3797A>G (p.Asp1266Gly)

Gene: TRIP11 (thyroid hormone receptor interactor 11; minus strand). Cytogenetic location: 14q32.12.
Variant type: single nucleotide variant.
Coding change: c.3797A>G on transcript NM_004239.4 (MANE Select); coding-DNA position 3797, A replaced by G.
Protein change: p.Asp1266Gly; replaces aspartic acid 1266 with glycine.
Molecular consequence: missense variant.
Genome position (GRCh38, 1-based): chr14:92,004,179, T>C on the plus strand (A>G on the coding strand, the complement: TRIP11 is on the minus strand). VCF-style: chr14-92004179-T-C. GRCh37 (hg19) VCF-style: chr14-92470523-T-C.
Other names: c.3794A>G, p.Asp1265Gly (NM_001321851.1); short protein forms D1266G, D1265G.
Identifiers: ClinVar variation 1388981 (VCV001388981.5), dbSNP rs1407130480, ClinGen allele CA390651405.

ClinVar aggregate classification (germline): Uncertain significance (1 of 4 stars; one submission).

Conditions:
Achondrogenesis, type IA (ACG1A). Identifiers: Orphanet 932, Orphanet 93299, MedGen C0265273, MONDO:0008701, OMIM 200600.

Allele frequency attached by ClinVar (database versions not stated): gnomAD exomes below 0.00001 and 0.00001.
gnomAD v4.1: 3 of 1,614,192 alleles (0.00019%); highest among the groups gnomAD compares: Middle Eastern, 0.033%; no homozygotes.

Submission:

Labcorp Genetics (formerly Invitae), Labcorp
Classification: Uncertain significance for Achondrogenesis, type IA. Last evaluated: 2022-09-07. Review status: criteria provided, single submitter. Criteria: Invitae Variant Classification Sherloc (09022015). Collection method: clinical testing. Allele origin: germline.
Comment: This sequence change replaces aspartic acid, which is acidic and polar, with glycine, which is neutral and non-polar, at codon 1266 of the TRIP11 protein (p.Asp1266Gly). This variant is present in population databases (no rsID available, gnomAD 0.003%). This variant has not been reported in the literature in individuals affected with TRIP11-related conditions. ClinVar contains an entry for this variant (Variation ID: 1388981). Algorithms developed to predict the effect of missense changes on protein structure and function are either unavailable or do not agree on the potential impact of this missense change (SIFT: "Not Available"; PolyPhen-2: "Possibly Damaging"; Align-GVGD: "Not Available"). In summary, the available evidence is currently insufficient to determine the role of this variant in disease. Therefore, it has been classified as a Variant of Uncertain Significance.